The following is an entry in ClinVar:

ClinVar aggregate classification (germline): Uncertain significance. Review status: criteria provided, multiple submitters, no conflicts (2 of 4 stars). 2 submissions from 2 submitters: Uncertain significance (2). Last evaluated 2022-09-01.

Conditions:
Hereditary nonpolyposis colorectal neoplasms. Identifiers: MedGen C0009405, MeSH D003123.
Hereditary cancer-predisposing syndrome. Also called: Hereditary Cancer Syndrome; Neoplastic Syndromes, Hereditary; Tumor predisposition; Hereditary neoplastic syndrome. Identifiers: Orphanet 140162, MedGen C0027672, MeSH D009386, MONDO:0015356.

Submissions (2):

Labcorp Genetics (formerly Invitae), Labcorp
Classification: Uncertain significance for Hereditary nonpolyposis colorectal neoplasms. Last evaluated: 2022-09-01. Review status: criteria provided, single submitter. Criteria: Invitae Variant Classification Sherloc (09022015). Collection method: clinical testing. Allele origin: germline.
Comment: This variant has not been reported in the literature in individuals affected with PMS2-related conditions. In summary, the available evidence is currently insufficient to determine the role of this variant in disease. Therefore, it has been classified as a Variant of Uncertain Significance. Algorithms developed to predict the effect of sequence changes on RNA splicing suggest that this variant may create or strengthen a splice site. Algorithms developed to predict the effect of missense changes on protein structure and function are either unavailable or do not agree on the potential impact of this missense change (SIFT: "Tolerated"; PolyPhen-2: "Probably Damaging"; Align-GVGD: "Class C0"). ClinVar contains an entry for this variant (Variation ID: 480363). This variant is not present in population databases (gnomAD no frequency). This sequence change replaces cysteine, which is neutral and slightly polar, with glycine, which is neutral and non-polar, at codon 331 of the PMS2 protein (p.Cys331Gly).

Ambry Genetics
Classification: Uncertain significance for Hereditary cancer-predisposing syndrome. Last evaluated: 2019-05-20. Review status: criteria provided, single submitter. Criteria: Ambry Variant Classification Scheme 2023. Collection method: clinical testing. Allele origin: germline.
Comment: The p.C331G variant (also known as c.991T>G), located in coding exon 10 of the PMS2 gene, results from a T to G substitution at nucleotide position 991. The cysteine at codon 331 is replaced by glycine, an amino acid with highly dissimilar properties. This amino acid position is highly conserved in available vertebrate species. In addition, this alteration is predicted to be deleterious by in silico analysis. Since supporting evidence is limited at this time, the clinical significance of this alteration remains unclear.

NM_000535.7(PMS2):c.991T>G (p.Cys331Gly)

Gene: PMS2 (PMS1 homolog 2, mismatch repair system component; minus strand). Cytogenetic location: 7p22.1.
Variant type: single nucleotide variant.
Coding change: c.991T>G on transcript NM_000535.7 (MANE Select); coding-DNA position 991, T replaced by G.
Protein change: p.Cys331Gly; replaces cysteine 331 with glycine.
Molecular consequence: missense variant. On other transcripts: non-coding transcript variant (1), intron variant (2).
Genome position (GRCh38, 1-based): chr7:5,989,953, A>C on the plus strand (T>G on the coding strand, the complement: PMS2 is on the minus strand). VCF-style: chr7-5989953-A-C. GRCh37 (hg19) VCF-style: chr7-6029584-A-C.
Other names: c.586T>G, p.Cys196Gly (NM_001322003.2, NM_001322004.2, NM_001322005.2 and 1 more transcripts); c.673T>G, p.Cys225Gly (NM_001322007.2, NM_001322008.2); c.58T>G, p.Cys20Gly (NM_001322011.2, NM_001322012.2); c.418T>G, p.Cys140Gly (NM_001322013.2); c.991T>G, p.Cys331Gly (NM_001322014.2); c.682T>G, p.Cys228Gly (NM_001322015.2); c.583+2020T>G (NM_001322010.2); c.988+2020T>G (NM_001322006.2); short protein forms C331G, C20G, C225G, C196G, C228G, C140G.
Identifiers: ClinVar variation 480363 (VCV000480363.10), dbSNP rs1554298831, ClinGen allele CA366743040.
Genomic context (GRCh38, chr7:5,989,953, plus strand): 5'-AAAGCTTTTCCTCTTGTAGCAAAATTTGCCTTTTATCTGGAGTAACATTGATATCAACGC[A>C]TTCTAAGGCAAAAAAGAAAACATATTTATTATGTTTAAATTCACTTTTATTTTATTTATT-3'
Protein context (NP_000526.2, residues 321-341): VVLNISVDSE[Cys331Gly]VDINVTPDKR